The following is an entry in ClinVar:

ClinVar aggregate classification (germline): Uncertain significance. Review status: criteria provided, multiple submitters, no conflicts (2 of 4 stars). 2 submissions from 2 submitters: Uncertain significance (2). Last evaluated 2026-01-09.

Conditions:
Intrinsic cardiomyopathy. Identifiers: MedGen CN305117, MONDO:0000591.
Primary familial hypertrophic cardiomyopathy (HCM). Identifiers: Orphanet 99739, MedGen C0949658, MeSH D024741, MONDO:0024573. Inheritance: Various modes of inheritance.
Dilated cardiomyopathy 1AA (CMD1AA). Also called: CARDIOMYOPATHY, DILATED, 1AA, WITH OR WITHOUT LEFT VENTRICULAR NONCOMPACTION; CARDIOMYOPATHY, FAMILIAL HYPERTROPHIC, 23, WITH OR WITHOUT LEFT VENTRICULAR NONCOMPACTION; Cardiomyopathy, dilated, 1AA, with or without LVNC. Identifiers: Orphanet 154, MedGen C2677338, MONDO:0012808, OMIM 612158.

Allele frequency attached by ClinVar (database versions not stated): gnomAD exomes below 0.00001.

Submissions (2):

Labcorp Genetics (formerly Invitae), Labcorp
Classification: Uncertain significance for Primary familial hypertrophic cardiomyopathy; Dilated cardiomyopathy 1AA. Last evaluated: 2026-01-09. Review status: criteria provided, single submitter. Criteria: Invitae Variant Classification Sherloc (09022015). Collection method: clinical testing. Allele origin: germline.
Comment: This sequence change replaces alanine, which is neutral and non-polar, with threonine, which is neutral and polar, at codon 859 of the ACTN2 protein (p.Ala859Thr). This variant is not present in population databases (gnomAD no frequency). This variant has not been reported in the literature in individuals affected with ACTN2-related conditions. ClinVar contains an entry for this variant (Variation ID: 1326968). An algorithm developed to predict the effect of missense changes on protein structure and function (PolyPhen-2) suggests that this variant is likely to be disruptive. In summary, the available evidence is currently insufficient to determine the role of this variant in disease. Therefore, it has been classified as a Variant of Uncertain Significance.

Molecular Genetics, Royal Melbourne Hospital
Classification: Uncertain significance for Intrinsic cardiomyopathy. Last evaluated: 2021-11-11. Review status: criteria provided, single submitter. Criteria: ACMG Guidelines, 2015. Collection method: clinical testing. Allele origin: germline. Affected: yes.
Comment: This sequence change in ACTN2 is predicted to replace alanine with threonine at codon 859 (p.(Ala859Thr)). The alanine residue is highly conserved (100 vertebrates, UCSC), and is located in a helical region (UniProt). There is a small physicochemical difference between alanine and threonine. This variant is absent from gnomAD v2.1 and v3.1. To our knowledge, this variant has not been reported in the literature in any individuals with ACTN2-related disease. Multiple lines of computational evidence predict a deleterious effect for the missense substitution (5/6 algorithms). Based on the classification scheme RMH Modified ACMG Guidelines v1.4.0, this variant is classified as a VARIANT OF UNCERTAIN SIGNIFICANCE. Following criteria are met: PM2_Supporting, PP3.

NM_001103.4(ACTN2):c.2575G>A (p.Ala859Thr)

Gene: ACTN2 (actinin alpha 2; plus strand). Cytogenetic location: 1q43.
Variant type: single nucleotide variant.
Coding change: c.2575G>A on transcript NM_001103.4 (MANE Select); coding-DNA position 2575, G replaced by A.
Protein change: p.Ala859Thr; replaces alanine 859 with threonine.
Molecular consequence: missense variant.
Genome position (GRCh38, 1-based): chr1:236,762,509, G>A. VCF-style: chr1-236762509-G-A. GRCh37 (hg19) VCF-style: chr1-236925809-G-A.
Other names: c.2575G>A, p.Ala859Thr (NM_001278343.2); c.1951G>A, p.Ala651Thr (NM_001278344.2); short protein forms A651T, A859T.
Identifiers: ClinVar variation 1326968 (VCV001326968.4), dbSNP rs2102953709, ClinGen allele CA345392215.